The following is an entry in ClinVar:

NM_018943.3(TUBA8):c.708del (p.Ser237fs)

Gene: TUBA8 (tubulin alpha 8; plus strand). Cytogenetic location: 22q11.21.
Variant type: Deletion.
Coding change: c.708del on transcript NM_018943.3 (MANE Select); coding-DNA position 708, one base deleted (C; older notation c.708delC).
Protein change: p.Ser237fs; shifts the reading frame from serine 237.
Molecular consequence: frameshift variant.
Genome position (GRCh38, 1-based): chr22:18,126,686, C deleted; the last of 2 consecutive C bases (chr22:18,126,685-18,126,686); deleting either gives the same sequence. VCF-style (leftmost placement, unchanged base first): chr22-18126684-TC-T. GRCh37 (hg19) VCF-style: chr22-18609451-TC-T.
Other names: c.510del, p.Ser171fs (NM_001193414.2); short protein forms S171fs, S237fs.
Identifiers: ClinVar variation 1214212 (VCV001214212.5), dbSNP rs759697238, ClinGen allele CA10093735.
Genomic context (GRCh38, chr22:18,126,684, plus strand): 5'-AACCTTGACATTGAGCGCCCTACCTATACCAACCTCAACCGCCTCATCAGTCAGATTGTG[TC>T]CTCAATCACTGCTTCTCTCCGCTTTGACGGGGCCCTCAATGTGGACCTCACTGAGTTCCA-3'

ClinVar aggregate classification (germline): Uncertain significance. Review status: criteria provided, multiple submitters, no conflicts (2 of 4 stars). 2 submissions from 2 submitters: Uncertain significance (2). Last evaluated 2024-08-13.

Submissions (2):

Labcorp Genetics (formerly Invitae), Labcorp
Classification: Uncertain significance. Last evaluated: 2024-08-13. Review status: criteria provided, single submitter. Criteria: Invitae Variant Classification Sherloc (09022015). Collection method: clinical testing. Allele origin: germline.
Comment: This sequence change creates a premature translational stop signal (p.Ser237Glnfs*55) in the TUBA8 gene. It is expected to result in an absent or disrupted protein product. However, the current clinical and genetic evidence is not sufficient to establish whether loss-of-function variants in TUBA8 cause disease. This variant is present in population databases (rs759697238, gnomAD 0.009%). This variant has not been reported in the literature in individuals affected with TUBA8-related conditions. ClinVar contains an entry for this variant (Variation ID: 1214212). In summary, the available evidence is currently insufficient to determine the role of this variant in disease. Therefore, it has been classified as a Variant of Uncertain Significance.

GeneDx
Classification: Uncertain significance. Last evaluated: 2021-04-26. Review status: criteria provided, single submitter. Criteria: GeneDx Variant Classification Process June 2021. Collection method: clinical testing. Allele origin: germline. Affected: yes.
Comment: Not observed at a significant frequency in large population cohorts (Lek et al., 2016); Frameshift variant predicted to result in protein truncation or nonsense mediated decay in a gene for which loss-of-function is not a known mechanism of disease; Has not been previously published as pathogenic or benign to our knowledge